The following is an entry in ClinVar:

NM_014319.5(LEMD3):c.331T>A (p.Ser111Thr)

Genes: LEMD3 (LEM domain containing 3; plus strand), LOC130008224 (ATAC-STARR-seq lymphoblastoid silent region 4630; plus strand). Cytogenetic location: 12q14.3.
Variant type: single nucleotide variant.
Coding change: c.331T>A on transcript NM_014319.5 (MANE Select); coding-DNA position 331, T replaced by A.
Protein change: p.Ser111Thr; replaces serine 111 with threonine.
Molecular consequence: missense variant.
Genome position (GRCh38, 1-based): chr12:65,169,927, T>A. VCF-style: chr12-65169927-T-A. GRCh37 (hg19) VCF-style: chr12-65563707-T-A.
Other names: c.331T>A, p.Ser111Thr (NM_001167614.2); short protein forms S111T.
Identifiers: ClinVar variation 3711929 (VCV003711929.2).

ClinVar aggregate classification (germline): Uncertain significance (1 of 4 stars; one submission).

gnomAD v4.1: 4 of 1,447,474 alleles (0.00028%); highest among the groups gnomAD compares: Non-Finnish European, 0.00036%; no homozygotes.

Submission:

Labcorp Genetics (formerly Invitae), Labcorp
Classification: Uncertain significance. Last evaluated: 2025-11-18. Review status: criteria provided, single submitter. Criteria: Invitae Variant Classification Sherloc (09022015). Collection method: clinical testing. Allele origin: germline.
Comment: This sequence change replaces serine, which is neutral and polar, with threonine, which is neutral and polar, at codon 111 of the LEMD3 protein (p.Ser111Thr). This variant is not present in population databases (gnomAD no frequency). This variant has not been reported in the literature in individuals affected with LEMD3-related conditions. ClinVar contains an entry for this variant (Variation ID: 3711929). An algorithm developed to predict the effect of missense changes on protein structure and function (PolyPhen-2) suggests that this variant is likely to be tolerated. In summary, the available evidence is currently insufficient to determine the role of this variant in disease. Therefore, it has been classified as a Variant of Uncertain Significance.